The following is an entry in ClinVar:

NM_020693.4(DSCAML1):c.2909G>A (p.Arg970His)

Gene: DSCAML1 (DS cell adhesion molecule like 1; minus strand). Cytogenetic location: 11q23.3.
Variant type: single nucleotide variant.
Coding change: c.2909G>A on transcript NM_020693.4 (MANE Select); coding-DNA position 2909, G replaced by A.
Protein change: p.Arg970His; replaces arginine 970 with histidine.
Molecular consequence: missense variant.
Genome position (GRCh38, 1-based): chr11:117,471,913, C>T on the plus strand (G>A on the coding strand, the complement: DSCAML1 is on the minus strand). VCF-style: chr11-117471913-C-T. GRCh37 (hg19) VCF-style: chr11-117342628-C-T.
Other names: c.3089G>A (NM_020693.2); short protein forms R970H.
Identifiers: ClinVar variation 1899539 (VCV001899539.6), dbSNP rs758642341, ClinGen allele CA6296854.

ClinVar aggregate classification (germline): Uncertain significance. Review status: criteria provided, multiple submitters, no conflicts (2 of 4 stars). 2 submissions from 2 submitters: Uncertain significance (2). Last evaluated 2025-12-08.

Allele frequency attached by ClinVar (database versions not stated): ExAC 0.00004; TOPMed 0.00005; gnomAD 0.00008.
gnomAD v4.1: 59 of 1,610,286 alleles (0.0037%); highest among the groups gnomAD compares: Admixed American, 0.018%; no homozygotes.

Submissions (2):

Ambry Genetics
Classification: Uncertain significance. Last evaluated: 2025-12-08. Review status: criteria provided, single submitter. Criteria: Ambry Variant Classification Scheme 2023. Collection method: clinical testing. Allele origin: germline.

Labcorp Genetics (formerly Invitae), Labcorp
Classification: Uncertain significance. Last evaluated: 2024-02-17. Review status: criteria provided, single submitter. Criteria: Invitae Variant Classification Sherloc (09022015). Collection method: clinical testing. Allele origin: germline.
Comment: This sequence change replaces arginine, which is basic and polar, with histidine, which is basic and polar, at codon 1030 of the DSCAML1 protein (p.Arg1030His). This variant is present in population databases (rs758642341, gnomAD 0.02%). This variant has not been reported in the literature in individuals affected with DSCAML1-related conditions. ClinVar contains an entry for this variant (Variation ID: 1899539). An algorithm developed to predict the effect of missense changes on protein structure and function (PolyPhen-2) suggests that this variant is likely to be disruptive. In summary, the available evidence is currently insufficient to determine the role of this variant in disease. Therefore, it has been classified as a Variant of Uncertain Significance.